The following is an entry in ClinVar:

NM_003011.4(SET):c.142C>G (p.Gln48Glu)

Gene: SET (SET nuclear proto-oncogene; plus strand). Cytogenetic location: 9q34.11.
Variant type: single nucleotide variant.
Coding change: c.142C>G on transcript NM_003011.4 (MANE Select); coding-DNA position 142, C replaced by G.
Protein change: p.Gln48Glu; replaces glutamine 48 with glutamic acid.
Molecular consequence: missense variant.
Genome position (GRCh38, 1-based): chr9:128,691,868, C>G. VCF-style: chr9-128691868-C-G. GRCh37 (hg19) VCF-style: chr9-131454147-C-G.
Other names: c.181C>G, p.Gln61Glu (NM_001122821.2, NM_001374326.1); c.115C>G, p.Gln39Glu (NM_001248000.2); c.109C>G, p.Gln37Glu (NM_001248001.2); short protein forms Q37E, Q39E, Q48E, Q61E.
Identifiers: ClinVar variation 2571340 (VCV002571340.27), dbSNP rs769137666, ClinGen allele CA375059205.
Genomic context (GRCh38, chr9:128,691,868, plus strand): 5'-TTAATTTGTTAAATACTATCATTGTCAACATCTCTTTTCATTTGCTTCAGACTTAATGAA[C>G]AAGCCAGTGAGGAGATTTTGAAAGTAGAACAGAAATATAACAAACTCCGCCAACCATTTT-3'
Protein context (NP_003002.2, residues 38-58): VQNEIDRLNE[Gln48Glu]ASEEILKVEQ

ClinVar aggregate classification (germline): Uncertain significance (1 of 4 stars; one submission).

Submission:

CeGaT Center for Human Genetics Tuebingen
Classification: Uncertain significance. Last evaluated: 2023-04-01. Review status: criteria provided, single submitter. Criteria: CeGaT Center For Human Genetics Tuebingen Variant Classification Criteria Version 2. Collection method: clinical testing. Allele origin: germline. Affected: yes. Observed: 1 variant allele.
Comment: SET: PM2, PP2